The following is an entry in ClinVar:

ClinVar aggregate classification (germline): Uncertain significance. Review status: criteria provided, multiple submitters, no conflicts (2 of 4 stars). 2 submissions from 2 submitters: Uncertain significance (2). Last evaluated 2025-10-07.

Allele frequency attached by ClinVar (database versions not stated): gnomAD exomes below 0.00001; gnomAD 0.00001; ExAC 0.00002; TOPMed 0.00003.
gnomAD v4.1: 6 of 1,614,066 alleles (0.00037%); highest among the groups gnomAD compares: Admixed American, 0.005%; no homozygotes.

Submissions (2):

Ambry Genetics
Classification: Uncertain significance. Last evaluated: 2025-10-07. Review status: criteria provided, single submitter. Criteria: Ambry Variant Classification Scheme 2023. Collection method: clinical testing. Allele origin: germline.

Labcorp Genetics (formerly Invitae), Labcorp
Classification: Uncertain significance. Last evaluated: 2023-05-02. Review status: criteria provided, single submitter. Criteria: Invitae Variant Classification Sherloc (09022015). Collection method: clinical testing. Allele origin: germline.
Comment: This variant has not been reported in the literature in individuals affected with NPAT-related conditions. This variant is present in population databases (rs748148349, gnomAD 0.003%). This sequence change replaces valine, which is neutral and non-polar, with glycine, which is neutral and non-polar, at codon 888 of the NPAT protein (p.Val888Gly). ClinVar contains an entry for this variant (Variation ID: 1794477). In summary, the available evidence is currently insufficient to determine the role of this variant in disease. Therefore, it has been classified as a Variant of Uncertain Significance. An algorithm developed to predict the effect of missense changes on protein structure and function (PolyPhen-2) suggests that this variant is likely to be disruptive.

NM_002519.3(NPAT):c.2663T>G (p.Val888Gly)

Gene: NPAT (nuclear protein, coactivator of histone transcription; minus strand). Cytogenetic location: 11q22.3.
Variant type: single nucleotide variant.
Coding change: c.2663T>G on transcript NM_002519.3 (MANE Select); coding-DNA position 2663, T replaced by G.
Protein change: p.Val888Gly; replaces valine 888 with glycine.
Molecular consequence: missense variant.
Genome position (GRCh38, 1-based): chr11:108,172,321, A>C on the plus strand (T>G on the coding strand, the complement: NPAT is on the minus strand). VCF-style: chr11-108172321-A-C. GRCh37 (hg19) VCF-style: chr11-108043048-A-C.
Other names: c.2663T>G, p.Val888Gly (NM_001321307.1); short protein forms V888G.
Identifiers: ClinVar variation 1794477 (VCV001794477.7), dbSNP rs748148349, ClinGen allele CA6263783.